The following is an entry in ClinVar:

NM_144997.7(FLCN):c.618+15G>T

Gene: FLCN (folliculin; minus strand). Cytogenetic location: 17p11.2.
Variant type: single nucleotide variant.
Coding change: c.618+15G>T on transcript NM_144997.7 (MANE Select); 15 bases into the intron after coding-DNA position 618, G replaced by T.
Molecular consequence: intron variant.
Genome position (GRCh38, 1-based): chr17:17,223,907, C>A on the plus strand (G>T on the coding strand, the complement: FLCN is on the minus strand). VCF-style: chr17-17223907-C-A. GRCh37 (hg19) VCF-style: chr17-17127221-C-A.
Other names: c.618+15G>T (NM_001353231.2, NM_001353230.2, NM_144606.7 and 1 more transcripts); c.672+15G>T (NM_001353229.2).
Identifiers: ClinVar variation 384824 (VCV000384824.4), dbSNP rs1057522057, ClinGen allele CA16607600.
Genomic context (GRCh38, chr17:17,223,907, plus strand): 5'-GCCTCAACCTCAGCACAGAGCGGCTCATGCAGTGCAGGGCCCCCTGCCGCCCCGGCACCT[C>A]ATCTCTGAATTCACCTTGAGCGCCTTGCCCTGGAGCTCATCGATGATTCCCCGGACCTTC-3'

ClinVar aggregate classification (germline): Likely benign. Review status: criteria provided, multiple submitters, no conflicts (2 of 4 stars). 2 submissions from 2 submitters: Likely benign (2). Last evaluated 2023-03-27.

Conditions:
Birt-Hogg-Dube syndrome. Also called: Birt Hogg Dubé syndrome. Identifiers: Orphanet 122, MedGen C0346010, MONDO:0800444.

Allele frequency attached by ClinVar (database versions not stated): gnomAD exomes below 0.00001.
gnomAD v4.1: 3 of 1,613,136 alleles (0.00019%); highest among the groups gnomAD compares: Non-Finnish European, 0.00025%; no homozygotes.

Submissions (2):

Labcorp Genetics (formerly Invitae), Labcorp
Classification: Likely benign for Birt-Hogg-Dube syndrome. Last evaluated: 2023-03-27. Review status: criteria provided, single submitter. Criteria: Invitae Variant Classification Sherloc (09022015). Collection method: clinical testing. Allele origin: germline.

GeneDx
Classification: Likely benign. Last evaluated: 2016-03-11. Review status: criteria provided, single submitter. Criteria: GeneDx Variant Classification (06012015). Collection method: clinical testing. Allele origin: germline. Affected: yes.
Comment: This variant is considered likely benign or benign based on one or more of the following criteria: it is a conservative change, it occurs at a poorly conserved position in the protein, it is predicted to be benign by multiple in silico algorithms, and/or has population frequency not consistent with disease.